The following is an entry in ClinVar:

NM_002439.5(MSH3):c.792+8G>A

Gene: MSH3 (mutS homolog 3; plus strand). Cytogenetic location: 5q14.1.
Variant type: single nucleotide variant.
Coding change: c.792+8G>A on transcript NM_002439.5 (MANE Select); 8 bases into the intron after coding-DNA position 792, G replaced by A.
Molecular consequence: intron variant.
Genome position (GRCh38, 1-based): chr5:80,670,317, G>A. VCF-style: chr5-80670317-G-A. GRCh37 (hg19) VCF-style: chr5-79966136-G-A.
Other names: p.?.
Identifiers: ClinVar variation 738150 (VCV000738150.32), dbSNP rs147777411, ClinGen allele CA3327699.

ClinVar aggregate classification (germline): Benign/Likely benign. Review status: criteria provided, multiple submitters, no conflicts (2 of 4 stars). 9 submissions from 9 submitters: Benign (2); Likely benign (5). 2 of the submissions do not count toward it. Last evaluated 2026-02-04.

Conditions:
Familial adenomatous polyposis 4 (FAP4). Also called: MSH3-related attenuated familial adenomatous polyposis. Identifiers: Orphanet 480536, MedGen C4310719, MONDO:0044300, OMIM 617100.

Allele frequency attached by ClinVar (database versions not stated): gnomAD exomes 0.00037; ExAC 0.00042; gnomAD 0.00131 and 0.00136; TOPMed 0.00134; ESP Exome Variant Server 0.00146; 1000 Genomes Project 0.00220; 1000 Genomes Project 30x 0.00281.
gnomAD v4.1: 394 of 1,611,848 alleles (0.024%); highest among the groups gnomAD compares: African/African-American, 0.43%; no homozygotes.

Submissions (9):

Labcorp Genetics (formerly Invitae), Labcorp
Classification: Benign. Last evaluated: 2026-02-04. Review status: criteria provided, single submitter. Criteria: Invitae Variant Classification Sherloc (09022015). Collection method: clinical testing. Allele origin: germline.

Quest Diagnostics Nichols Institute San Juan Capistrano
Classification: Benign. Last evaluated: 2025-09-10. Review status: criteria provided, single submitter. Criteria: Quest Diagnostics criteria. Collection method: clinical testing. Allele origin: unknown.

Mayo Clinic Laboratories, Mayo Clinic
Classification: Likely benign. Last evaluated: 2025-08-12. Review status: criteria provided, single submitter. Criteria: ACMG Guidelines, 2015. Collection method: clinical testing. Allele origin: germline. Observed: 1 variant allele.
Comment: BS1, BP4

Center for Genomic Medicine, Rigshospitalet, Copenhagen University Hospital
Classification: Likely benign. Last evaluated: 2025-03-04. Review status: criteria provided, single submitter. Criteria: ACMG Guidelines, 2015. Collection method: clinical testing. Allele origin: germline.

Blueprint Genetics
Classification: Likely benign. Last evaluated: 2024-10-17. Review status: criteria provided, single submitter. Criteria: ACMG Guidelines, 2015. Collection method: clinical testing. Allele origin: germline.

Department of Pathology and Laboratory Medicine, Sinai Health System
Classification: Likely benign for Familial adenomatous polyposis 4. Last evaluated: 2023-11-13. Review status: criteria provided, single submitter. Criteria: ACMG Guidelines, 2015. Collection method: clinical testing. Allele origin: germline. Affected: yes.

ARUP Laboratories, Molecular Genetics and Genomics, ARUP Laboratories
Classification: Likely benign. Last evaluated: 2019-04-05. Review status: criteria provided, single submitter. Criteria: ARUP Molecular Germline Variant Investigation Process. Collection method: clinical testing. Allele origin: germline.

Clinical Genetics DNA and cytogenetics Diagnostics Lab, Erasmus MC, Erasmus Medical Center
Classification: Likely benign. Review status: no assertion criteria provided. Collection method: clinical testing. Allele origin: germline. Affected: yes. Study: VKGL Data-share Consensus. Not counted in ClinVar's aggregate classification.

Clinical Genetics, Academic Medical Center
Classification: Likely benign. Review status: no assertion criteria provided. Collection method: clinical testing. Allele origin: germline. Affected: yes. Study: VKGL Data-share Consensus. Not counted in ClinVar's aggregate classification.